The following is an entry in ClinVar:

NM_022124.6(CDH23):c.1990G>A (p.Glu664Lys)

Gene: CDH23 (cadherin related 23; plus strand). Cytogenetic location: 10q22.1.
Variant type: single nucleotide variant.
Coding change: c.1990G>A on transcript NM_022124.6 (MANE Select); coding-DNA position 1990, G replaced by A.
Protein change: p.Glu664Lys; replaces glutamic acid 664 with lysine.
Molecular consequence: missense variant.
Genome position (GRCh38, 1-based): chr10:71,687,650, G>A. VCF-style: chr10-71687650-G-A. GRCh37 (hg19) VCF-style: chr10-73447407-G-A.
Other names: c.1990G>A, p.Glu664Lys (NM_001171930.2, NM_001171931.2); short protein forms E664K.
Identifiers: ClinVar variation 991912 (VCV000991912.6), dbSNP rs536056315, ClinGen allele CA5544045.

ClinVar aggregate classification (germline): Uncertain significance. Review status: criteria provided, multiple submitters, no conflicts (2 of 4 stars). 3 submissions from 3 submitters: Uncertain significance (2). 1 of the submissions does not count toward it. Last evaluated 2024-02-24.

Conditions:
Usher syndrome type 1 (USH1). Also called: RETINITIS PIGMENTOSA AND CONGENITAL DEAFNESS. Identifiers: Orphanet 231169, Orphanet 886, MedGen C1568247, MONDO:0010168, OMIM 276900.

Allele frequency attached by ClinVar (database versions not stated): gnomAD exomes below 0.00001 and 0.00001; ExAC 0.00001; gnomAD 0.00001 and 0.00002; TOPMed 0.00004; 1000 Genomes Project 30x 0.00016; 1000 Genomes Project 0.00020.
gnomAD v4.1: 8 of 1,613,894 alleles (0.0005%); highest among the groups gnomAD compares: East Asian, 0.0067%; no homozygotes.

Submissions (3):

Labcorp Genetics (formerly Invitae), Labcorp
Classification: Uncertain significance. Last evaluated: 2024-02-24. Review status: criteria provided, single submitter. Criteria: Invitae Variant Classification Sherloc (09022015). Collection method: clinical testing. Allele origin: germline.
Comment: This sequence change replaces glutamic acid, which is acidic and polar, with lysine, which is basic and polar, at codon 664 of the CDH23 protein (p.Glu664Lys). This variant is present in population databases (rs536056315, gnomAD 0.02%). This variant has not been reported in the literature in individuals affected with CDH23-related conditions. ClinVar contains an entry for this variant (Variation ID: 991912). Advanced modeling of protein sequence and biophysical properties (such as structural, functional, and spatial information, amino acid conservation, physicochemical variation, residue mobility, and thermodynamic stability) performed at Invitae indicates that this missense variant is not expected to disrupt CDH23 protein function with a negative predictive value of 95%. In summary, the available evidence is currently insufficient to determine the role of this variant in disease. Therefore, it has been classified as a Variant of Uncertain Significance.

Blueprint Genetics
Classification: Uncertain significance. Last evaluated: 2021-09-24. Review status: criteria provided, single submitter. Criteria: ACMG Guidelines, 2015. Collection method: clinical testing. Allele origin: germline.

Natera, Inc.
Classification: Uncertain significance for Usher syndrome type 1. Last evaluated: 2020-04-15. Review status: no assertion criteria provided. Collection method: clinical testing. Allele origin: germline. Not counted in ClinVar's aggregate classification.